The following is an entry in ClinVar:

ClinVar aggregate classification (germline): Uncertain significance. Review status: criteria provided, multiple submitters, no conflicts (2 of 4 stars). 2 submissions from 2 submitters: Uncertain significance (2). Last evaluated 2025-01-22.

Conditions:
ERBB3-related disorder. Also called: ERBB3-related condition.

Allele frequency attached by ClinVar (database versions not stated): ExAC 0.00001; gnomAD 0.00003; gnomAD exomes 0.00003; TOPMed 0.00003; ESP Exome Variant Server 0.00008.
gnomAD v4.1: 44 of 1,613,720 alleles (0.0027%); highest among the groups gnomAD compares: Non-Finnish European, 0.0037%; no homozygotes.

Submissions (2):

GeneDx
Classification: Uncertain significance. Last evaluated: 2025-01-22. Review status: criteria provided, single submitter. Criteria: GeneDx Variant Classification Process June 2021. Collection method: clinical testing. Allele origin: germline. Affected: yes.
Comment: In silico analysis supports that this missense variant has a deleterious effect on protein structure/function; Not observed at significant frequency in large population cohorts (gnomAD); Has not been previously published as pathogenic or benign to our knowledge

PreventionGenetics, part of Exact Sciences
Classification: Uncertain significance for ERBB3-related condition. Last evaluated: 2023-08-16. Review status: criteria provided, single submitter. Criteria: ACMG Guidelines, 2015. Collection method: clinical testing. Allele origin: germline.
Comment: The ERBB3 c.1117T>C variant is predicted to result in the amino acid substitution p.Trp373Arg. To our knowledge, this variant has not been reported in the literature. This variant is reported in 0.0031% of alleles in individuals of European (Non-Finnish) descent in gnomAD. Although we suspect that this variant may be pathogenic, at this time, the clinical significance of this variant is uncertain due to the absence of conclusive functional and genetic evidence.

NM_001982.4(ERBB3):c.1117T>C (p.Trp373Arg)

Gene: ERBB3 (erb-b2 receptor tyrosine kinase 3; plus strand). Cytogenetic location: 12q13.2.
Variant type: single nucleotide variant.
Coding change: c.1117T>C on transcript NM_001982.4 (MANE Select); coding-DNA position 1117, T replaced by C.
Protein change: p.Trp373Arg; replaces tryptophan 373 with arginine.
Molecular consequence: missense variant.
Genome position (GRCh38, 1-based): chr12:56,092,754, T>C. VCF-style: chr12-56092754-T-C. GRCh37 (hg19) VCF-style: chr12-56486538-T-C.
Other names: short protein forms W373R.
Identifiers: ClinVar variation 2635938 (VCV002635938.2), dbSNP rs371094129, ClinGen allele CA6622184.